The following is an entry in ClinVar:

NM_004304.5(ALK):c.2513T>G (p.Leu838Arg)

Gene: ALK (ALK receptor tyrosine kinase; minus strand). Cytogenetic location: 2p23.2.
Variant type: single nucleotide variant.
Coding change: c.2513T>G on transcript NM_004304.5 (MANE Select); coding-DNA position 2513, T replaced by G.
Protein change: p.Leu838Arg; replaces leucine 838 with arginine.
Molecular consequence: missense variant.
Genome position (GRCh38, 1-based): chr2:29,232,423, A>C on the plus strand (T>G on the coding strand, the complement: ALK is on the minus strand). VCF-style: chr2-29232423-A-C. GRCh37 (hg19) VCF-style: chr2-29455289-A-C.
Other names: short protein forms L838R.
Identifiers: ClinVar variation 3854261 (VCV003854261.1).

ClinVar aggregate classification (germline): Uncertain significance (1 of 4 stars; one submission).

Conditions:
Hereditary cancer-predisposing syndrome. Also called: Hereditary neoplastic syndrome; Neoplastic Syndromes, Hereditary; Tumor predisposition; Hereditary Cancer Syndrome. Identifiers: Orphanet 140162, MedGen C0027672, MeSH D009386, MONDO:0015356.

Submission:

Ambry Genetics
Classification: Uncertain significance for Hereditary cancer-predisposing syndrome. Last evaluated: 2025-01-03. Review status: criteria provided, single submitter. Criteria: Ambry Variant Classification Scheme 2023. Collection method: clinical testing. Allele origin: germline.
Comment: The p.L838R variant (also known as c.2513T>G), located in coding exon 15 of the ALK gene, results from a T to G substitution at nucleotide position 2513. The leucine at codon 838 is replaced by arginine, an amino acid with dissimilar properties. This amino acid position is conserved. In addition, this alteration is predicted to be deleterious by in silico analysis. Based on the available evidence, the clinical significance of this variant remains unclear.